The following is an entry in ClinVar:

NM_182961.4(SYNE1):c.2209G>T (p.Val737Phe)

Gene: SYNE1 (spectrin repeat containing nuclear envelope protein 1; minus strand). Cytogenetic location: 6q25.2.
Variant type: single nucleotide variant.
Coding change: c.2209G>T on transcript NM_182961.4 (MANE Select); coding-DNA position 2209, G replaced by T.
Protein change: p.Val737Phe; replaces valine 737 with phenylalanine.
Molecular consequence: missense variant.
Genome position (GRCh38, 1-based): chr6:152,462,779, C>A on the plus strand (G>T on the coding strand, the complement: SYNE1 is on the minus strand). VCF-style: chr6-152462779-C-A. GRCh37 (hg19) VCF-style: chr6-152783914-C-A.
Other names: c.2230G>T, p.Val744Phe (NM_033071.5); short protein forms V744F, V737F.
Identifiers: ClinVar variation 2952575 (VCV002952575.3), dbSNP rs2154266865, ClinGen allele CA366121402.
Genomic context (GRCh38, chr6:152,462,779, plus strand): 5'-TGATTCAGAAACCCCTCACCTCCAAGTCTTGAATTAATAGCTTGACATTCATAAAAGAGA[C>A]TTCTAAGGGTTCAGAAAGTTTCTTATGGGCTTCCGTTGCAAAAGCAGACAGGGTAACAAC-3'
Protein context (NP_892006.3, residues 727-747): AHKKLSEPLE[Val737Phe]SFMNVKLLIQ

ClinVar aggregate classification (germline): Uncertain significance (1 of 4 stars; one submission).

Conditions:
Emery-Dreifuss muscular dystrophy 4, autosomal dominant (EDMD4). Also called: EMERY-DREIFUSS MUSCULAR DYSTROPHY 4 WITH VARIABLE FEATURES. Identifiers: Orphanet 261, MedGen C2751807, MONDO:0013071, OMIM 612998.
Autosomal recessive ataxia, Beauce type. Also called: SYNE1-Related Autosomal Recessive Cerebellar Ataxia; SYNE1 Deficiency; Spinocerebellar ataxia, autosomal recessive 8; ATAXIA, RECESSIVE, OF BEAUCE. Identifiers: Orphanet 88644, MedGen C1853116, MONDO:0012549, OMIM 610743.

gnomAD v4.1: 1 of 1,614,022 alleles (0.000062%); highest among the groups gnomAD compares: Non-Finnish European, 0.000085%; no homozygotes.

Submission:

Labcorp Genetics (formerly Invitae), Labcorp
Classification: Uncertain significance for Emery-Dreifuss muscular dystrophy 4, autosomal dominant; Autosomal recessive ataxia, Beauce type. Last evaluated: 2023-10-05. Review status: criteria provided, single submitter. Criteria: Invitae Variant Classification Sherloc (09022015). Collection method: clinical testing. Allele origin: germline.
Comment: This sequence change replaces valine, which is neutral and non-polar, with phenylalanine, which is neutral and non-polar, at codon 744 of the SYNE1 protein (p.Val744Phe). This variant is not present in population databases (gnomAD no frequency). This variant has not been reported in the literature in individuals affected with SYNE1-related conditions. An algorithm developed to predict the effect of missense changes on protein structure and function (PolyPhen-2) suggests that this variant is likely to be disruptive. In summary, the available evidence is currently insufficient to determine the role of this variant in disease. Therefore, it has been classified as a Variant of Uncertain Significance.